The following is an entry in ClinVar:

NM_006206.6(PDGFRA):c.2270T>C (p.Ile757Thr)

Gene: PDGFRA (platelet derived growth factor receptor alpha; plus strand). Cytogenetic location: 4q12.
Variant type: single nucleotide variant.
Coding change: c.2270T>C on transcript NM_006206.6 (MANE Select); coding-DNA position 2270, T replaced by C.
Protein change: p.Ile757Thr; replaces isoleucine 757 with threonine.
Molecular consequence: missense variant.
Genome position (GRCh38, 1-based): chr4:54,280,429, T>C. VCF-style: chr4-54280429-T-C. GRCh37 (hg19) VCF-style: chr4-55146596-T-C.
Other names: c.2270T>C, p.Ile757Thr (NM_001347827.2, NM_001347829.2); c.2345T>C, p.Ile782Thr (NM_001347828.2); c.2309T>C, p.Ile770Thr (NM_001347830.2); short protein forms I770T, I782T, I757T.
Identifiers: ClinVar variation 4810469 (VCV004810469.2).

ClinVar aggregate classification (germline): Uncertain significance. Review status: criteria provided, multiple submitters, no conflicts (2 of 4 stars). 2 submissions from 2 submitters: Uncertain significance (2). Last evaluated 2026-05-14.

Conditions:
Gastrointestinal stromal tumor. Also called: Gastrointestinal stroma tumor; Gastrointestinal stromal tumor, somatic. Identifiers: Orphanet 44890, MedGen C0238198, MeSH D046152, MONDO:0011719, OMIM 606764, HP:0100723.
Hereditary cancer-predisposing syndrome. Also called: Hereditary Cancer Syndrome; Hereditary neoplastic syndrome; Neoplastic Syndromes, Hereditary; Tumor predisposition. Identifiers: Orphanet 140162, MedGen C0027672, MeSH D009386, MONDO:0015356.

gnomAD v4.1: 2 of 1,613,828 alleles (0.00012%); highest among the groups gnomAD compares: East Asian, 0.0045%; no homozygotes.

Submissions (2):

Ambry Genetics
Classification: Uncertain significance for Hereditary cancer-predisposing syndrome. Last evaluated: 2026-05-14. Review status: criteria provided, single submitter. Criteria: Ambry Variant Classification Scheme 2023. Collection method: clinical testing. Allele origin: germline.
Comment: The p.I757T variant (also known as c.2270T>C), located in coding exon 15 of the PDGFRA gene, results from a T to C substitution at nucleotide position 2270. The isoleucine at codon 757 is replaced by threonine, an amino acid with similar properties. This amino acid position is conserved. In addition, the in silico prediction for this alteration is inconclusive. Based on the available evidence, the clinical significance of this variant remains unclear.

Labcorp Genetics (formerly Invitae), Labcorp
Classification: Uncertain significance for Gastrointestinal stromal tumor. Last evaluated: 2025-07-08. Review status: criteria provided, single submitter. Criteria: Invitae Variant Classification Sherloc (09022015). Collection method: clinical testing. Allele origin: germline.
Comment: This sequence change replaces isoleucine, which is neutral and non-polar, with threonine, which is neutral and polar, at codon 757 of the PDGFRA protein (p.Ile757Thr). This variant is not present in population databases (gnomAD no frequency). This variant has not been reported in the literature in individuals affected with PDGFRA-related conditions. Invitae Evidence Modeling of protein sequence and biophysical properties (such as structural, functional, and spatial information, amino acid conservation, physicochemical variation, residue mobility, and thermodynamic stability) has been performed for this missense variant. However, the output from this modeling did not meet the statistical confidence thresholds required to predict the impact of this variant on PDGFRA protein function. In summary, the available evidence is currently insufficient to determine the role of this variant in disease. Therefore, it has been classified as a Variant of Uncertain Significance.